The following is an entry in ClinVar:

ClinVar aggregate classification (germline): Uncertain significance (1 of 4 stars; one submission).

Conditions:
Inborn genetic diseases. Identifiers: MedGen C0950123, MeSH D030342.

Submission:

Ambry Genetics
Classification: Uncertain significance for Inborn genetic diseases. Last evaluated: 2024-11-02. Review status: criteria provided, single submitter. Criteria: Ambry Variant Classification Scheme 2023. Collection method: clinical testing. Allele origin: germline.
Comment: The p.L118I variant (also known as c.352C>A), located in coding exon 1 of the ACD gene, results from a C to A substitution at nucleotide position 352. The leucine at codon 118 is replaced by isoleucine, an amino acid with highly similar properties. This amino acid position is conserved. In addition, this alteration is predicted to be tolerated by in silico analysis. Since supporting evidence is limited at this time, the clinical significance of this alteration remains unclear.

NM_001082486.2(ACD):c.94C>A (p.Leu32Ile)

Gene: ACD (ACD shelterin complex subunit and telomerase recruitment factor; minus strand). Cytogenetic location: 16q22.1.
Variant type: single nucleotide variant.
Coding change: c.94C>A on transcript NM_001082486.2 (MANE Select); coding-DNA position 94, C replaced by A.
Protein change: p.Leu32Ile; replaces leucine 32 with isoleucine.
Molecular consequence: missense variant.
Genome position (GRCh38, 1-based): chr16:67,660,127, G>T on the plus strand (C>A on the coding strand, the complement: ACD is on the minus strand). VCF-style: chr16-67660127-G-T. GRCh37 (hg19) VCF-style: chr16-67694030-G-T.
Other names: c.94C>A, p.Leu32Ile (NM_001410884.1, NM_022914.3); short protein forms L32I.
Identifiers: ClinVar variation 1732344 (VCV001732344.3), dbSNP rs2543611285, ClinGen allele CA396358115.
Genomic context (GRCh38, chr16:67,660,127, plus strand): 5'-AATCCCACCACCCCGGGCCTCCGCCTCGGTCTCCGGGCCCTGAATGGGGGCTCACCTCAA[G>T]CAGCTGCCCGGCTCGTGGACTGGAGGGTGTCTCTGACCCCAGAATCAGCTCCCGAATCCA-3'
Protein context (NP_001075955.2, residues 22-42): TPSSPRAGQL[Leu32Ile]EVLQDAEAAV